The following is an entry in ClinVar:

NM_001457.4(FLNB):c.2114C>A (p.Ala705Glu)

Gene: FLNB (filamin B; plus strand). Cytogenetic location: 3p14.3.
Variant type: single nucleotide variant.
Coding change: c.2114C>A on transcript NM_001457.4 (MANE Select); coding-DNA position 2114, C replaced by A.
Protein change: p.Ala705Glu; replaces alanine 705 with glutamic acid.
Molecular consequence: missense variant.
Genome position (GRCh38, 1-based): chr3:58,109,237, C>A. VCF-style: chr3-58109237-C-A. GRCh37 (hg19) VCF-style: chr3-58094964-C-A.
Other names: c.2114C>A, p.Ala705Glu (NM_001164317.2, NM_001164318.2, NM_001164319.2); short protein forms A705E.
Identifiers: ClinVar variation 4088122 (VCV004088122.1).

ClinVar aggregate classification (germline): Uncertain significance (1 of 4 stars; one submission).

gnomAD v4.1: 4 of 1,614,124 alleles (0.00025%); highest among the groups gnomAD compares: African/African-American, 0.0053%; no homozygotes.

Submission:

GeneDx
Classification: Uncertain significance. Last evaluated: 2025-03-24. Review status: criteria provided, single submitter. Criteria: GeneDx Variant Classification Process June 2021. Collection method: clinical testing. Allele origin: germline. Affected: yes.
Comment: In silico analysis indicates that this missense variant does not alter protein structure/function; Has not been previously published as pathogenic or benign to our knowledge